The following is an entry in ClinVar:

ClinVar aggregate classification (germline): Likely benign. Review status: criteria provided, multiple submitters, no conflicts (2 of 4 stars). 3 submissions from 3 submitters: Likely benign (2). 1 of the submissions does not count toward it. Last evaluated 2026-01-23.

Conditions:
PITPNM3-related disorder. Also called: PITPNM3-related condition.

Allele frequency attached by ClinVar (database versions not stated): gnomAD exomes 0.00005 and 0.00017; ESP Exome Variant Server 0.00015; 1000 Genomes Project 30x 0.00016; ExAC 0.00017; TOPMed 0.00017; 1000 Genomes Project 0.00020; gnomAD 0.00022.
gnomAD v4.1: 112 of 1,614,084 alleles (0.0069%); highest among the groups gnomAD compares: Admixed American, 0.073%; 1 homozygote.

Submissions (3):

Labcorp Genetics (formerly Invitae), Labcorp
Classification: Likely benign. Last evaluated: 2026-01-23. Review status: criteria provided, single submitter. Criteria: Invitae Variant Classification Sherloc (09022015). Collection method: clinical testing. Allele origin: germline.

Blueprint Genetics
Classification: Likely benign. Last evaluated: 2024-03-01. Review status: criteria provided, single submitter. Criteria: ACMG Guidelines, 2015. Collection method: clinical testing. Allele origin: germline.

PreventionGenetics, part of Exact Sciences
Classification: Likely benign for PITPNM3-related condition. Last evaluated: 2019-07-16. Review status: no assertion criteria provided. Collection method: clinical testing. Allele origin: germline. Not counted in ClinVar's aggregate classification.
Comment: This variant is classified as likely benign based on ACMG/AMP sequence variant interpretation guidelines (Richards et al. 2015 PMID: 25741868, with internal and published modifications).

NM_031220.4(PITPNM3):c.1791C>T (p.Ser597=)

Gene: PITPNM3 (PITPNM family member 3; minus strand). Cytogenetic location: 17p13.2.
Variant type: single nucleotide variant.
Coding change: c.1791C>T on transcript NM_031220.4 (MANE Select); coding-DNA position 1791, C replaced by T.
Protein change: p.Ser597=; no amino-acid change (serine 597 retained).
Molecular consequence: synonymous variant.
Genome position (GRCh38, 1-based): chr17:6,468,324, G>A on the plus strand (C>T on the coding strand, the complement: PITPNM3 is on the minus strand). VCF-style: chr17-6468324-G-A. GRCh37 (hg19) VCF-style: chr17-6371644-G-A.
Other names: c.1683C>T, p.Ser561= (NM_001165966.2); c.1791C>T (NM_031220.3).
Identifiers: ClinVar variation 1104635 (VCV001104635.10), dbSNP rs111643862, ClinGen allele CA8329379.